The following is an entry in ClinVar:

ClinVar aggregate classification (germline): Uncertain significance. Review status: criteria provided, multiple submitters, no conflicts (2 of 4 stars). 2 submissions from 2 submitters: Uncertain significance (2). Last evaluated 2022-08-13.

Conditions:
Epilepsy, early-onset, vitamin B6-dependent. Also called: PLPBP Deficiency; EPILEPSY, EARLY-ONSET, 1, VITAMIN B6-DEPENDENT. Identifiers: MedGen C4310632, MONDO:0015005, OMIM 617290.

Allele frequency attached by ClinVar (database versions not stated): ExAC 0.00002; gnomAD 0.00002; gnomAD exomes 0.00002; TOPMed 0.00002.
gnomAD v4.1: 39 of 1,591,164 alleles (0.0025%); highest among the groups gnomAD compares: East Asian, 0.0045%; no homozygotes.

Submissions (2):

Labcorp Genetics (formerly Invitae), Labcorp
Classification: Uncertain significance. Last evaluated: 2022-08-13. Review status: criteria provided, single submitter. Criteria: Invitae Variant Classification Sherloc (09022015). Collection method: clinical testing. Allele origin: germline.
Comment: This sequence change replaces glycine, which is neutral and non-polar, with arginine, which is basic and polar, at codon 14 of the PROSC protein (p.Gly14Arg). This variant is present in population databases (rs780857882, gnomAD 0.01%). This variant has not been reported in the literature in individuals affected with PROSC-related conditions. ClinVar contains an entry for this variant (Variation ID: 1032529). Algorithms developed to predict the effect of missense changes on protein structure and function (SIFT, PolyPhen-2, Align-GVGD) all suggest that this variant is likely to be tolerated. In summary, the available evidence is currently insufficient to determine the role of this variant in disease. Therefore, it has been classified as a Variant of Uncertain Significance.

Baylor Genetics
Classification: Uncertain significance for Epilepsy, early-onset, vitamin B6-dependent. Last evaluated: 2018-10-12. Review status: criteria provided, single submitter. Criteria: ACMG Guidelines, 2015. Collection method: clinical testing. Allele origin: unknown. Affected: yes.
Comment: This variant was determined to be of uncertain significance according to ACMG Guidelines, 2015 [PMID:25741868].

NM_007198.4(PLPBP):c.40G>C (p.Gly14Arg)

Genes: PLPBP (pyridoxal phosphate binding protein; plus strand), LOC113788277 (Sharpr-MPRA regulatory region 13802; plus strand). Cytogenetic location: 8p11.23.
Variant type: single nucleotide variant.
Coding change: c.40G>C on transcript NM_007198.4 (MANE Select); coding-DNA position 40, G replaced by C.
Protein change: p.Gly14Arg; replaces glycine 14 with arginine.
Molecular consequence: missense variant. On other transcripts: 5 prime UTR variant (1).
Genome position (GRCh38, 1-based): chr8:37,762,699, G>C. VCF-style: chr8-37762699-G-C. GRCh37 (hg19) VCF-style: chr8-37620217-G-C.
Other names: c.40G>C, p.Gly14Arg (NM_001349346.2, NM_001349347.2); c.-59G>C (NM_001349348.2); c.145G>C, p.Gly49Arg (NM_001349349.1); short protein forms G49R, G14R.
Identifiers: ClinVar variation 1032529 (VCV001032529.3), dbSNP rs780857882, ClinGen allele CA4711096.